The following is an entry in ClinVar:

ClinVar aggregate classification (germline): Uncertain significance (1 of 4 stars; one submission).

Conditions:
Hermansky-Pudlak syndrome 2 (HPS2). Also called: Platelet defects and oculocutaneous albinism. Identifiers: Orphanet 183678, Orphanet 79430, MedGen C1842362, MONDO:0011997, OMIM 608233.

Submission:

Labcorp Genetics (formerly Invitae), Labcorp
Classification: Uncertain significance for Hermansky-Pudlak syndrome 2. Last evaluated: 2022-10-05. Review status: criteria provided, single submitter. Criteria: Invitae Variant Classification Sherloc (09022015). Collection method: clinical testing. Allele origin: germline.
Comment: This variant has not been reported in the literature in individuals affected with AP3B1-related conditions. This variant is not present in population databases (gnomAD no frequency). This sequence change replaces proline, which is neutral and non-polar, with arginine, which is basic and polar, at codon 515 of the AP3B1 protein (p.Pro515Arg). ClinVar contains an entry for this variant (Variation ID: 959971). In summary, the available evidence is currently insufficient to determine the role of this variant in disease. Therefore, it has been classified as a Variant of Uncertain Significance. Algorithms developed to predict the effect of missense changes on protein structure and function (SIFT, PolyPhen-2, Align-GVGD) all suggest that this variant is likely to be disruptive.

NM_003664.5(AP3B1):c.1544C>G (p.Pro515Arg)

Gene: AP3B1 (adaptor related protein complex 3 subunit beta 1; minus strand). Cytogenetic location: 5q14.1.
Variant type: single nucleotide variant.
Coding change: c.1544C>G on transcript NM_003664.5 (MANE Select); coding-DNA position 1544, C replaced by G.
Protein change: p.Pro515Arg; replaces proline 515 with arginine.
Molecular consequence: missense variant.
Genome position (GRCh38, 1-based): chr5:78,141,249, G>C on the plus strand (C>G on the coding strand, the complement: AP3B1 is on the minus strand). VCF-style: chr5-78141249-G-C. GRCh37 (hg19) VCF-style: chr5-77437073-G-C.
Other names: c.1397C>G, p.Pro466Arg (NM_001271769.2); short protein forms P466R, P515R.
Identifiers: ClinVar variation 959971 (VCV000959971.9), dbSNP rs1753134356, ClinGen allele CA360188949.